The following is an entry in ClinVar:

ClinVar aggregate classification (germline): Uncertain significance. Review status: criteria provided, multiple submitters, no conflicts (2 of 4 stars). 2 submissions from 2 submitters: Uncertain significance (2). Last evaluated 2025-11-13.

Conditions:
Inborn genetic diseases. Identifiers: MedGen C0950123, MeSH D030342.

Allele frequency attached by ClinVar (database versions not stated): ExAC 0.00002; gnomAD exomes 0.00003; gnomAD 0.00004; TOPMed 0.00005.
gnomAD v4.1: 50 of 1,614,066 alleles (0.0031%); highest among the groups gnomAD compares: Non-Finnish European, 0.004%; no homozygotes.

Submissions (2):

Ambry Genetics
Classification: Uncertain significance for Inborn genetic diseases. Last evaluated: 2025-11-13. Review status: criteria provided, single submitter. Criteria: Ambry Variant Classification Scheme 2023. Collection method: clinical testing. Allele origin: germline.

Labcorp Genetics (formerly Invitae), Labcorp
Classification: Uncertain significance. Last evaluated: 2022-09-07. Review status: criteria provided, single submitter. Criteria: Invitae Variant Classification Sherloc (09022015). Collection method: clinical testing. Allele origin: germline.
Comment: This sequence change replaces arginine, which is basic and polar, with glycine, which is neutral and non-polar, at codon 156 of the C8B protein (p.Arg156Gly). This variant is present in population databases (rs747315203, gnomAD 0.007%). This variant has not been reported in the literature in individuals affected with C8B-related conditions. Algorithms developed to predict the effect of missense changes on protein structure and function are either unavailable or do not agree on the potential impact of this missense change (SIFT: "Deleterious"; PolyPhen-2: "Possibly Damaging"; Align-GVGD: "Class C0"). In summary, the available evidence is currently insufficient to determine the role of this variant in disease. Therefore, it has been classified as a Variant of Uncertain Significance.

NM_000066.4(C8B):c.466A>G (p.Arg156Gly)

Gene: C8B (complement C8 beta chain; minus strand). Cytogenetic location: 1p32.2.
Variant type: single nucleotide variant.
Coding change: c.466A>G on transcript NM_000066.4 (MANE Select); coding-DNA position 466, A replaced by G.
Protein change: p.Arg156Gly; replaces arginine 156 with glycine.
Molecular consequence: missense variant.
Genome position (GRCh38, 1-based): chr1:56,954,753, T>C on the plus strand (A>G on the coding strand, the complement: C8B is on the minus strand). VCF-style: chr1-56954753-T-C. GRCh37 (hg19) VCF-style: chr1-57420426-T-C.
Other names: c.310A>G, p.Arg104Gly (NM_001278543.2); c.280A>G, p.Arg94Gly (NM_001278544.2); short protein forms R104G, R94G, R156G.
Identifiers: ClinVar variation 1943474 (VCV001943474.5), dbSNP rs747315203, ClinGen allele CA875972.